The following is an entry in ClinVar:

ClinVar aggregate classification (germline): Uncertain significance (1 of 4 stars; one submission).

gnomAD v4.1: 9 of 1,614,210 alleles (0.00056%); highest among the groups gnomAD compares: African/African-American, 0.0053%; no homozygotes.

Submission:

Labcorp Genetics (formerly Invitae), Labcorp
Classification: Uncertain significance. Last evaluated: 2024-11-05. Review status: criteria provided, single submitter. Criteria: Invitae Variant Classification Sherloc (09022015). Collection method: clinical testing. Allele origin: germline.
Comment: This sequence change replaces threonine, which is neutral and polar, with alanine, which is neutral and non-polar, at codon 554 of the SGPL1 protein (p.Thr554Ala). This variant is not present in population databases (gnomAD no frequency). This variant has not been reported in the literature in individuals affected with SGPL1-related conditions. ClinVar contains an entry for this variant (Variation ID: 1917794). An algorithm developed to predict the effect of missense changes on protein structure and function outputs the following: PolyPhen-2: "Benign". The alanine amino acid residue is found in multiple mammalian species, which suggests that this missense change does not adversely affect protein function. In summary, the available evidence is currently insufficient to determine the role of this variant in disease. Therefore, it has been classified as a Variant of Uncertain Significance.

NM_003901.4(SGPL1):c.1660A>G (p.Thr554Ala)

Gene: SGPL1 (sphingosine-1-phosphate lyase 1; plus strand). Cytogenetic location: 10q22.1.
Variant type: single nucleotide variant.
Coding change: c.1660A>G on transcript NM_003901.4 (MANE Select); coding-DNA position 1660, A replaced by G.
Protein change: p.Thr554Ala; replaces threonine 554 with alanine.
Molecular consequence: missense variant.
Genome position (GRCh38, 1-based): chr10:70,877,288, A>G. VCF-style: chr10-70877288-A-G. GRCh37 (hg19) VCF-style: chr10-72637045-A-G.
Other names: short protein forms T554A.
Identifiers: ClinVar variation 1917794 (VCV001917794.4), dbSNP rs371661185, ClinGen allele CA209398620.
Genomic context (GRCh38, chr10:70,877,288, plus strand): 5'-GACAGGAATATGGTTGCAGAATTGTCCTCAGTCTTCTTGGACAGCTTGTACAGCACCGAC[A>G]CTGTCACCCAGGGCAGCCAGATGAATGGTTCTCCAAAACCCCACTGAACTTGGACCCTTT-3'
Protein context (NP_003892.2, residues 544-564): VFLDSLYSTD[Thr554Ala]VTQGSQMNGS